The following is an entry in ClinVar:

NM_005609.4(PYGM):c.1129A>T (p.Asn377Tyr)

Gene: PYGM (glycogen phosphorylase, muscle associated; minus strand). Cytogenetic location: 11q13.1.
Variant type: single nucleotide variant.
Coding change: c.1129A>T on transcript NM_005609.4 (MANE Select); coding-DNA position 1129, A replaced by T.
Protein change: p.Asn377Tyr; replaces asparagine 377 with tyrosine.
Molecular consequence: missense variant.
Genome position (GRCh38, 1-based): chr11:64,753,989, T>A on the plus strand (A>T on the coding strand, the complement: PYGM is on the minus strand). VCF-style: chr11-64753989-T-A. GRCh37 (hg19) VCF-style: chr11-64521461-T-A.
Other names: c.865A>T, p.Asn289Tyr (NM_001164716.1); short protein forms N377Y, N289Y.
Identifiers: ClinVar variation 556443 (VCV000556443.17), dbSNP rs954192338, ClinGen allele CA223900777.

ClinVar aggregate classification (germline): Conflicting classifications of pathogenicity. Review status: criteria provided, conflicting classifications (1 of 4 stars). 5 submissions from 5 submitters: Likely pathogenic (3); Uncertain significance (1). 1 of the submissions does not count toward it. Last evaluated 2025-07-31.

Conditions:
Glycogen storage disease, type V (GSD5). Also called: MCARDLE DISEASE; MUSCLE GLYCOGEN PHOSPHORYLASE DEFICIENCY; MYOPHOSPHORYLASE DEFICIENCY; PYGM DEFICIENCY; McArdle type glycogen storage disease. Identifiers: Orphanet 368, MedGen C0017924, MONDO:0009293, OMIM 232600.

Allele frequency attached by ClinVar (database versions not stated): gnomAD exomes 0.00002.
gnomAD v4.1: 13 of 1,607,082 alleles (0.00081%); highest among the groups gnomAD compares: Non-Finnish European, 0.0011%; no homozygotes.

Submissions (5):

Women's Health and Genetics/Laboratory Corporation of America, LabCorp
Classification: Uncertain significance. Last evaluated: 2025-07-31. Review status: criteria provided, single submitter. Criteria: LabCorp Variant Classification Summary - May 2015. Collection method: clinical testing. Allele origin: germline.
Comment: Variant summary: PYGM c.1129A>T (p.Asn377Tyr) results in a non-conservative amino acid change in the encoded protein sequence. Five of five in-silico tools predict a damaging effect of the variant on protein function. The variant was absent in 236312 control chromosomes. c.1129A>T has been reported in the literature in multiple individuals affected with McArdle disease with compound heterozygous or unspecified genotypes (e.g. Duno_2009, Wu_2011, Pizzamiglio_2021). These data indicate that the variant may be associated with disease. To our knowledge, no experimental evidence demonstrating an impact on protein function has been reported. The following publications have been ascertained in the context of this evaluation (PMID: 19472443, 34534370, 21880526). ClinVar contains an entry for this variant (Variation ID: 556443). Based on the evidence outlined above, the variant was classified as VUS-possibly pathogenic.

Natera, Inc.
Classification: Likely pathogenic for Glycogen storage disease V. Last evaluated: 2024-09-17. Review status: criteria provided, single submitter. Criteria: Natera Variant Classification Schema (03/2026). Collection method: clinical testing. Allele origin: germline.
Comment: The c.1129A>T variant in PYGM is a missense variant predicted to cause substitution of asparagine to tyrosine at amino acid 377. This variant is rare in the general population with a frequency below the threshold expected for the associated phenotype(s). This variant has been observed in one or more individuals affected with the associated recessive disease, as either homozygous or compound heterozygous with a second variant (PMID: 34534370, 20861058, 19472443). Computational prediction algorithms indicate this variant is likely to affect gene or protein function. Given the available evidence, this variant is classified as Likely Pathogenic.

Labcorp Genetics (formerly Invitae), Labcorp
Classification: Likely pathogenic for Glycogen storage disease, type V. Last evaluated: 2024-08-08. Review status: criteria provided, single submitter. Criteria: Invitae Variant Classification Sherloc (09022015). Collection method: clinical testing. Allele origin: germline.
Comment: This sequence change replaces asparagine, which is neutral and polar, with tyrosine, which is neutral and polar, at codon 377 of the PYGM protein (p.Asn377Tyr). This variant is not present in population databases (gnomAD no frequency). This missense change has been observed in individuals with McArdle disease (PMID: 19472443, 34534370). ClinVar contains an entry for this variant (Variation ID: 556443). Advanced modeling of protein sequence and biophysical properties (such as structural, functional, and spatial information, amino acid conservation, physicochemical variation, residue mobility, and thermodynamic stability) performed at Invitae indicates that this missense variant is expected to disrupt PYGM protein function with a positive predictive value of 95%. In summary, the currently available evidence indicates that the variant is pathogenic, but additional data are needed to prove that conclusively. Therefore, this variant has been classified as Likely Pathogenic.

Fulgent Genetics
Classification: Likely pathogenic for Glycogen storage disease, type V. Last evaluated: 2024-03-20. Review status: criteria provided, single submitter. Criteria: ACMG Guidelines, 2015. Collection method: clinical testing. Allele origin: germline.

Counsyl
Classification: Uncertain significance for Glycogen storage disease, type V. Last evaluated: 2018-02-05. Review status: no assertion criteria provided. Collection method: clinical testing. Allele origin: unknown. Not counted in ClinVar's aggregate classification.

Literature cited by the submitters: PubMed 34534370 (cited by 3 submitters); PubMed 21880526 (cited by Women's Health and Genetics/Laboratory Corporation of America, LabCorp); PubMed 19472443 (cited by 4 submitters); PubMed 20861058 (cited by Natera, Inc.).